The following is an entry in ClinVar:

NM_001243133.2(NLRP3):c.1386_1399del (p.His463fs)

Gene: NLRP3 (NLR family pyrin domain containing 3; plus strand). Cytogenetic location: 1q44.
Variant type: Deletion.
Coding change: c.1386_1399del on transcript NM_001243133.2 (MANE Select); coding-DNA positions 1386 to 1399, 14 bases deleted (CCACCTCTGGGGGC).
Protein change: p.His463fs; shifts the reading frame from histidine 463.
Molecular consequence: frameshift variant.
Genome position (GRCh38, 1-based): chr1:247,424,835-247,424,848, CCACCTCTGGGGGC deleted; deleting any 14 consecutive bases within chr1:247,424,833-247,424,848 gives the same sequence; the c. name uses the placement nearest the transcript's 3' end. VCF-style (leftmost placement, unchanged base first): chr1-247424832-CGCCCACCTCTGGGG-C. GRCh37 (hg19) VCF-style: chr1-247588134-CGCCCACCTCTGGGG-C.
Other names: c.1386_1399del, p.His463fs (NM_001079821.3, NM_001127461.3, NM_001127462.3 and 1 more transcripts); c.1392_1405del, p.His465fs (NM_004895.5); c.1392_1405del14 (NM_004895.5); short protein forms H463fs, H465fs.
Identifiers: ClinVar variation 4688914 (VCV004688914.1).

ClinVar aggregate classification (germline): Uncertain significance (1 of 4 stars; one submission).

Submission:

Women's Health and Genetics/Laboratory Corporation of America, LabCorp
Classification: Uncertain significance. Last evaluated: 2025-12-22. Review status: criteria provided, single submitter. Criteria: LabCorp Variant Classification Summary - May 2015. Collection method: clinical testing. Allele origin: germline.
Comment: Variant summary: NLRP3 c.1392_1405del14 (p.His465LeufsX16) results in a premature termination codon, predicted to cause a truncation of the encoded protein or absence of the protein due to nonsense mediated decay, however current evidence is not sufficient to establish loss of function as a mechanism for disease. The variant was absent in 245914 control chromosomes (gnomAD). The available data on variant occurrences in the general population are insufficient to allow any conclusion about variant significance. To our knowledge, no occurrence of c.1392_1405del14 in individuals affected with NLRP3-related conditions and no experimental evidence demonstrating its impact on protein function have been reported. No submitters have cited clinical-significance assessments for this variant to ClinVar. Based on the evidence outlined above, the variant was classified as uncertain significance.